The following is an entry in ClinVar:

NM_000059.4(BRCA2):c.4277del (p.Thr1426fs)

Gene: BRCA2 (BRCA2 DNA repair associated; plus strand). Cytogenetic location: 13q13.1.
Variant type: Deletion.
Coding change: c.4277del on transcript NM_000059.4 (MANE Select); coding-DNA position 4277, one base deleted (C; older notation c.4277delC).
Protein change: p.Thr1426fs; shifts the reading frame from threonine 1426.
Molecular consequence: frameshift variant.
Genome position (GRCh38, 1-based): chr13:32,338,632, C deleted. VCF-style (leftmost placement, unchanged base first): chr13-32338631-AC-A. GRCh37 (hg19) VCF-style: chr13-32912768-AC-A.
Other names: c.4277delC (NM_000059.3, NM_000059.4).
Identifiers: ClinVar variation 182315 (VCV000182315.13), dbSNP rs730881608, ClinGen allele CA019898.

ClinVar aggregate classification (germline): Pathogenic. Review status: reviewed by expert panel (3 of 4 stars). 6 submissions from 6 submitters: Pathogenic (1). 5 of the submissions do not count toward it. Last evaluated 2016-09-08.

Conditions:
Hereditary cancer-predisposing syndrome. Also called: Tumor predisposition; Hereditary Cancer Syndrome; Hereditary neoplastic syndrome; Neoplastic Syndromes, Hereditary. Identifiers: Orphanet 140162, MedGen C0027672, MeSH D009386, MONDO:0015356.
Hereditary breast ovarian cancer syndrome. Also called: Breast and ovarian cancer; Hereditary breast and ovarian cancer syndrome; Hereditary breast and ovarian cancer; BRCA1- and BRCA2-Associated Hereditary Breast and Ovarian Cancer; Hereditary breast and ovarian cancer syndrome (HBOC); Hereditary breast and/or ovarian cancer syndrome. Identifiers: Orphanet 145, MedGen C0677776, MeSH D061325, MONDO:0003582. Disease mechanism: loss of function.
Breast-ovarian cancer, familial, susceptibility to, 2 (BROVCA2). Also called: BRCA2 Hereditary Breast and Ovarian Cancer. Identifiers: Orphanet 145, MedGen C2675520, MONDO:0012933, OMIM 612555. Disease mechanism: loss of function.
Familial cancer of breast. Also called: BREAST CANCER, FAMILIAL; hereditary breast carcinoma; Hereditary breast cancer. Identifiers: Orphanet 227535, MedGen C0346153, MONDO:0016419, OMIM 114480. Disease mechanism: loss of function.

Submissions (6):

Evidence-based Network for the Interpretation of Germline Mutant Alleles (ENIGMA)
Classification: Pathogenic for Breast-ovarian cancer, familial, susceptibility to, 2. Last evaluated: 2016-09-08. Review status: reviewed by expert panel. Criteria: ENIGMA BRCA1/2 Classification Criteria (2015). Collection method: curation. Allele origin: germline.
Comment: Variant allele predicted to encode a truncated non-functional protein.

Women's Health and Genetics/Laboratory Corporation of America, LabCorp
Classification: Pathogenic for Hereditary breast ovarian cancer syndrome. Last evaluated: 2025-04-02. Review status: criteria provided, single submitter. Criteria: LabCorp Variant Classification Summary - May 2015. Collection method: clinical testing. Allele origin: germline. Not counted in ClinVar's aggregate classification.
Comment: Variant summary: BRCA2 c.4277delC (p.Thr1426AsnfsX22) results in a premature termination codon, predicted to cause a truncation of the encoded protein or absence of the protein due to nonsense mediated decay, which are commonly known mechanisms for disease. The variant was absent in 244798 control chromosomes. c.4277delC has been reported in the literature in individuals affected with Hereditary Breast And Ovarian Cancer Syndrome (example: Solano_2021). The following publication has been ascertained in the context of this evaluation (PMID: 34072659). ClinVar contains an entry for this variant (Variation ID: 182315). Based on the evidence outlined above, the variant was classified as pathogenic.

Labcorp Genetics (formerly Invitae), Labcorp
Classification: Pathogenic for Hereditary breast ovarian cancer syndrome. Last evaluated: 2022-04-08. Review status: criteria provided, single submitter. Criteria: Invitae Variant Classification Sherloc (09022015). Collection method: clinical testing. Allele origin: germline. Not counted in ClinVar's aggregate classification.
Comment: This sequence change creates a premature translational stop signal (p.Thr1426Asnfs*22) in the BRCA2 gene. It is expected to result in an absent or disrupted protein product. Loss-of-function variants in BRCA2 are known to be pathogenic (PMID: 20104584). This variant is not present in population databases (gnomAD no frequency). This variant has not been reported in the literature in individuals affected with BRCA2-related conditions. ClinVar contains an entry for this variant (Variation ID: 182315). For these reasons, this variant has been classified as Pathogenic.

Ambry Genetics
Classification: Pathogenic for Hereditary cancer-predisposing syndrome. Last evaluated: 2021-01-22. Review status: criteria provided, single submitter. Criteria: Ambry Variant Classification Scheme 2023. Collection method: clinical testing. Allele origin: germline. Not counted in ClinVar's aggregate classification.
Comment: The c.4277delC pathogenic mutation, located in coding exon 10 of the BRCA2 gene, results from a deletion of one nucleotide at nucleotide position 4277, causing a translational frameshift with a predicted alternate stop codon (p.T1426Nfs*22). This alteration was identified in a large, worldwide study of BRCA1/2 mutation-positive families (Rebbeck TR et al. Hum Mutat. 2018 05;39:593-620). This alteration is expected to result in loss of function by premature protein truncation or nonsense-mediated mRNA decay. As such, this alteration is interpreted as a disease-causing mutation.

Consortium of Investigators of Modifiers of BRCA1/2 (CIMBA), c/o University of Cambridge
Classification: Pathogenic for Breast-ovarian cancer, familial, susceptibility to, 2. Last evaluated: 2015-10-02. Review status: criteria provided, single submitter. Criteria: CIMBA Mutation Classification guidelines May 2016. Collection method: clinical testing. Allele origin: germline. Not counted in ClinVar's aggregate classification.

GeneDx
Classification: Pathogenic for Familial cancer of breast. Last evaluated: 2014-09-15. Review status: criteria provided, single submitter. Criteria: GeneDx Variant Classification (06012015). Collection method: clinical testing. Allele origin: germline. Affected: yes. Not counted in ClinVar's aggregate classification.
Comment: This deletion of one nucleotide in BRCA2 is denoted c.4277delC at the cDNA level and p.Thr1426AsnfsX22 (T1426NfsX22) at the protein level. The normal sequence, with the bases that are deleted in brackets, is GATA{C}ATTT. The deletion causes a frameshift, which changes a Threonine to an Asparagine at codon 1426 in exon 11, and creates a premature stop codon at position 22 of the new reading frame. Although this mutation, also known as c.4505delC using alternative nomenclature, has not, to our knowledge, been reported in the literature, it is predicted to cause loss of normal protein function through either protein truncation or nonsense-mediated mRNA decay. We consider this mutation to be pathogenic. and is indicative of Hereditary Breast and Ovarian Cancer (HBOC), an autosomal dominant condition that predisposes to breast and ovarian cancer as well as other cancers. Breast and ovarian cancer are the predominant BRCA2-related cancers that unaffected female mutation carriers are at risk to develop. The lifetime risk for breast cancer is estimated to be 41 to 84% and the lifetime risk for ovarian cancer is estimated to be 11 to 27% (Ford 1998, Risch 2006). BRCA2 mutations have also been reported in women with fallopian tube carcinoma, primary peritoneal carcinoma, and uterine serous carcinoma (Levine 2003, Biron-Shental 2006). Graeser et al. (2009) found that women who harbor a pathogenic BRCA2 mutation have an increased risk for contralateral breast cancer that is dependent on age at initial diagnosis. It is estimated that the risk to develop a second breast cancer within 10 years of the first diagnosis if initially diagnosed less than age 40 years of age is 21%, between the ages of 40 and 50 is 13% and after the age of 50 is 9%. Additionally, it is estimated that the risk to develop a second breast cancer within 25 years of their first diagnosis if initially diagnosed less than age 40 years of age is 63%, between the ages of 40 and 50 is 49% and after the age of 50 is 17%. Other cancer risks associated with a BRCA2 mutation include up to a 7% risk for pancreatic cancer (Ozcelik 1997, The Breast Cancer Linkage Consortium 1999), up to a 34% risk for prostate cancer in male carriers (Thompson 2001) and up to a 7% risk for male breast cancer (Liede 2004). BRCA2 mutations have also been associated with an increased risk for cutaneous malignant melanoma (Liede 2004, The Breast Cancer Linkage Consortium 1999). The variant is found in BRCA2 panel(s).

Literature cited by the submitters: PubMed 34072659 (cited by Women's Health and Genetics/Laboratory Corporation of America, LabCorp); PubMed 20104584 (cited by Labcorp Genetics (formerly Invitae), Labcorp); PubMed 29446198 (cited by Ambry Genetics).